The following is an entry in ClinVar:

NM_153240.5(NPHP3):c.531G>A (p.Glu177=)

Genes: NPHP3 (nephrocystin 3; minus strand), NPHP3-ACAD11 (NPHP3-ACAD11 readthrough (NMD candidate); minus strand). Cytogenetic location: 3q22.1.
Variant type: single nucleotide variant.
Coding change: c.531G>A on transcript NM_153240.5 (MANE Select); coding-DNA position 531, G replaced by A.
Protein change: p.Glu177=; no amino-acid change (glutamic acid 177 retained).
Molecular consequence: synonymous variant. On other transcripts: non-coding transcript variant (1).
Genome position (GRCh38, 1-based): chr3:132,719,133, C>T on the plus strand (G>A on the coding strand, the complement: NPHP3 is on the minus strand). VCF-style: chr3-132719133-C-T. GRCh37 (hg19) VCF-style: chr3-132437977-C-T.
Other names: c.531G>A (NM_153240.4).
Identifiers: ClinVar variation 2896458 (VCV002896458.5), dbSNP rs369715091, ClinGen allele CA2622564.
Genomic context (GRCh38, chr3:132,719,133, plus strand): 5'-AAGTTTGCTCTCCAACTCCCTCTTGGCCCTCAGTAAGTCCTGAATTTCATTTTCTTTGGT[C>T]TCCCTAAAAATCTTTAAAAAGAATAATTTTAATGTTGAAAGCTTTTTCATAATCAAAAAG-3'
Protein context (NP_694972.3, residues 167-187): KVKRQFKIFR[Glu177=]TKENEIQDLL

ClinVar aggregate classification (germline): Likely benign. Review status: criteria provided, single submitter (1 of 4 stars). 2 submissions from 2 submitters: Likely benign (1). 1 of the submissions does not count toward it. Last evaluated 2026-01-27.

Conditions:
Nephronophthisis. Also called: Juvenile Nephronophthisis. Identifiers: Orphanet 655, MedGen C0687120, MONDO:0019005, HP:0000090.
NPHP3-related disorder. Also called: NPHP3-related disorders; NPHP3-related condition. Identifiers: MedGen CN379163.

Allele frequency attached by ClinVar (database versions not stated): ExAC 0.00002; gnomAD 0.00007; ESP Exome Variant Server 0.00015; TOPMed 0.00008; gnomAD exomes below 0.00001.
gnomAD v4.1: 12 of 1,610,870 alleles (0.00074%); highest among the groups gnomAD compares: African/African-American, 0.012%; no homozygotes.

Submissions (2):

Labcorp Genetics (formerly Invitae), Labcorp
Classification: Likely benign for Nephronophthisis. Last evaluated: 2026-01-27. Review status: criteria provided, single submitter. Criteria: Invitae Variant Classification Sherloc (09022015). Collection method: clinical testing. Allele origin: germline.

PreventionGenetics, part of Exact Sciences
Classification: Likely benign for NPHP3-related condition. Last evaluated: 2021-04-28. Review status: no assertion criteria provided. Collection method: clinical testing. Allele origin: germline. Not counted in ClinVar's aggregate classification.
Comment: This variant is classified as likely benign based on ACMG/AMP sequence variant interpretation guidelines (Richards et al. 2015 PMID: 25741868, with internal and published modifications).